The following is an entry in ClinVar:

ClinVar aggregate classification (germline): Uncertain significance. Review status: criteria provided, multiple submitters, no conflicts (2 of 4 stars). 2 submissions from 2 submitters: Uncertain significance (2). Last evaluated 2026-09-01.

Conditions:
BBS2-related disorder. Also called: BBS2-related disorders; BBS2-related condition. Identifiers: MedGen CN239228.
Inborn genetic diseases. Identifiers: MedGen C0950123, MeSH D030342.

gnomAD v4.1: 7 of 1,609,478 alleles (0.00043%); highest among the groups gnomAD compares: South Asian, 0.0077%; no homozygotes.

Submissions (2):

PreventionGenetics, part of Exact Sciences
Classification: Uncertain significance for BBS2-related condition. Last evaluated: 2026-09-01. Review status: criteria provided, single submitter. Criteria: ACMG Guidelines, 2015. Collection method: clinical testing. Allele origin: germline.
Comment: The BBS2 c.1661T>G variant is predicted to result in the amino acid substitution p.Ile554Ser. To our knowledge, this variant has not been reported in the literature. This variant is reported in 0.0098% of alleles in individuals of South Asian descent in gnomAD. At this time, the clinical significance of this variant is uncertain due to the absence of conclusive functional and genetic evidence.

Ambry Genetics
Classification: Uncertain significance for Inborn genetic diseases. Last evaluated: 2024-06-16. Review status: criteria provided, single submitter. Criteria: Ambry Variant Classification Scheme 2023. Collection method: clinical testing. Allele origin: germline.

NM_031885.5(BBS2):c.1661T>G (p.Ile554Ser)

Gene: BBS2 (Bardet-Biedl syndrome 2; minus strand). Cytogenetic location: 16q13.
Variant type: single nucleotide variant.
Coding change: c.1661T>G on transcript NM_031885.5 (MANE Select); coding-DNA position 1661, T replaced by G.
Protein change: p.Ile554Ser; replaces isoleucine 554 with serine.
Molecular consequence: missense variant. On other transcripts: non-coding transcript variant (5).
Genome position (GRCh38, 1-based): chr16:56,497,879, A>C on the plus strand (T>G on the coding strand, the complement: BBS2 is on the minus strand). VCF-style: chr16-56497879-A-C. GRCh37 (hg19) VCF-style: chr16-56531791-A-C.
Other names: c.1661T>G, p.Ile554Ser (NM_001377456.1); short protein forms I554S.
Identifiers: ClinVar variation 3260537 (VCV003260537.2).